The following is an entry in ClinVar:

NM_001018115.3(FANCD2):c.2381G>A (p.Arg794Gln)

Genes: FANCD2 (FA complementation group D2; plus strand), LOC107303338 (3p25 FANCD2 Alu-mediated recombination region; plus strand). Cytogenetic location: 3p25.3.
Variant type: single nucleotide variant.
Coding change: c.2381G>A on transcript NM_001018115.3 (MANE Select); coding-DNA position 2381, G replaced by A.
Protein change: p.Arg794Gln; replaces arginine 794 with glutamine.
Molecular consequence: missense variant.
Genome position (GRCh38, 1-based): chr3:10,065,975, G>A. VCF-style: chr3-10065975-G-A. GRCh37 (hg19) VCF-style: chr3-10107659-G-A.
Other names: c.2381G>A (NM_033084.4); c.2381G>A, p.Arg794Gln (NM_001319984.2, NM_001374254.1, NM_033084.6); c.2270G>A, p.Arg757Gln (NM_001374253.1); short protein forms R757Q, R794Q.
Identifiers: ClinVar variation 2165337 (VCV002165337.6), dbSNP rs754523292, ClinGen allele CA2250052.

ClinVar aggregate classification (germline): Uncertain significance. Review status: criteria provided, multiple submitters, no conflicts (2 of 4 stars). 4 submissions from 4 submitters: Uncertain significance (4). Last evaluated 2025-09-07.

Conditions:
Fanconi anemia complementation group D2. Also called: FANCD2-Related Fanconi Anemia; FANCONI PANCYTOPENIA, TYPE 4; FANCONI ANEMIA, COMPLEMENTATION GROUP D. Identifiers: Orphanet 84, MedGen C3160738, MONDO:0009214, OMIM 227646.
Fanconi anemia (FA). Also called: Fanconi's anemia. Identifiers: Orphanet 84, MedGen C0015625, MeSH D005199, MONDO:0019391.

Allele frequency attached by ClinVar (database versions not stated): gnomAD 0.00001; TOPMed 0.00001; ExAC 0.00002; gnomAD exomes 0.00002.
gnomAD v4.1: 36 of 1,583,806 alleles (0.0023%); highest among the groups gnomAD compares: Middle Eastern, 0.017%; no homozygotes.

Submissions (4):

Labcorp Genetics (formerly Invitae), Labcorp
Classification: Uncertain significance for Fanconi anemia. Last evaluated: 2025-09-07. Review status: criteria provided, single submitter. Criteria: Invitae Variant Classification Sherloc (09022015). Collection method: clinical testing. Allele origin: germline.
Comment: This sequence change replaces arginine, which is basic and polar, with glutamine, which is neutral and polar, at codon 794 of the FANCD2 protein (p.Arg794Gln). This variant is present in population databases (rs754523292, gnomAD 0.01%). This variant has not been reported in the literature in individuals affected with FANCD2-related conditions. ClinVar contains an entry for this variant (Variation ID: 2165337). Invitae Evidence Modeling of protein sequence and biophysical properties (such as structural, functional, and spatial information, amino acid conservation, physicochemical variation, residue mobility, and thermodynamic stability) indicates that this missense variant is expected to disrupt FANCD2 protein function with a positive predictive value of 80%. In summary, the available evidence is currently insufficient to determine the role of this variant in disease. Therefore, it has been classified as a Variant of Uncertain Significance.

Genomic Medicine Center of Excellence, King Faisal Specialist Hospital and Research Centre
Classification: Uncertain significance for Fanconi anemia complementation group D2. Last evaluated: 2024-12-17. Review status: criteria provided, single submitter. Criteria: ACMG Guidelines, 2015. Collection method: clinical testing. Allele origin: germline.

Blueprint Genetics
Classification: Uncertain significance. Last evaluated: 2024-09-05. Review status: criteria provided, single submitter. Criteria: ACMG Guidelines, 2015. Collection method: clinical testing. Allele origin: germline.

Fulgent Genetics
Classification: Uncertain significance for Fanconi anemia complementation group D2. Last evaluated: 2024-01-03. Review status: criteria provided, single submitter. Criteria: ACMG Guidelines, 2015. Collection method: clinical testing. Allele origin: germline.